The following is an entry in ClinVar:

ClinVar aggregate classification (germline): Likely pathogenic (0 of 4 stars; one submission).

Conditions:
Monogenic diabetes. Identifiers: Orphanet 183625, MedGen C3888631, MONDO:0015967.

Submission:

Smedley Team, Phenogenomics Group, Queen Mary University of London
Classification: Likely pathogenic for Monogenic diabetes. Review status: no assertion criteria provided. Collection method: case-control. Allele origin: germline. Inheritance: Autosomal dominant inheritance. Affected: yes.
Comment: In addition, this variant is absent from gnomAD and was classified as PM2 leading to an overall pathogenic classification. UNC13A was identified as a novel disease-gene association for monongenic diabetes in a gene burden study of the 100,000 Genomes Project.

NC_000019.10:g.17688463C>A

Variant type: single nucleotide variant.
Genome position: GRCh38 VCF-style: chr19-17688463-C-A. GRCh37 (hg19) VCF-style: chr19-17799272-C-A.
Identifiers: ClinVar variation 3391171 (VCV003391171.1).